The following is an entry in ClinVar:

NM_033380.3(COL4A5):c.1189G>C (p.Gly397Arg)

Gene: COL4A5 (collagen type IV alpha 5 chain; plus strand). Cytogenetic location: Xq22.3.
Variant type: single nucleotide variant.
Coding change: c.1189G>C on transcript NM_033380.3 (MANE Select); coding-DNA position 1189, G replaced by C.
Protein change: p.Gly397Arg; replaces glycine 397 with arginine.
Molecular consequence: missense variant.
Genome position (GRCh38, 1-based): chrX:108,591,081, G>C. VCF-style: chrX-108591081-G-C. GRCh37 (hg19) VCF-style: chrX-107834311-G-C.
Other names: c.1189G>C, p.Gly397Arg (NM_000495.5); short protein forms G397R.
Identifiers: ClinVar variation 3636313 (VCV003636313.2).

ClinVar aggregate classification (germline): Pathogenic (1 of 4 stars; one submission).

Submission:

Labcorp Genetics (formerly Invitae), Labcorp
Classification: Pathogenic. Last evaluated: 2024-04-22. Review status: criteria provided, single submitter. Criteria: Invitae Variant Classification Sherloc (09022015). Collection method: clinical testing. Allele origin: germline.
Comment: This sequence change replaces glycine, which is neutral and non-polar, with arginine, which is basic and polar, at codon 397 of the COL4A5 protein (p.Gly397Arg). This variant is not present in population databases (gnomAD no frequency). This missense change has been observed in individual(s) with Alport syndrome (Invitae). Advanced modeling of protein sequence and biophysical properties (such as structural, functional, and spatial information, amino acid conservation, physicochemical variation, residue mobility, and thermodynamic stability) performed at Invitae indicates that this missense variant is expected to disrupt COL4A5 protein function with a positive predictive value of 95%. This variant disrupts the triple helix domain of COL4A5. Glycine residues within the Gly-Xaa-Yaa repeats of the triple helix domain are required for the structure and stability of fibrillar collagens (PMID: 7695699, 8218237, 19344236). In COL4A5, missense variants at these glycine residues are significantly enriched in individuals with disease (PMID: 23720012, 27627812) compared to the general population (ExAC). This variant disrupts the p.Gly397 amino acid residue in COL4A5. Other variant(s) that disrupt this residue have been observed in individuals with COL4A5-related conditions (PMID: 28780565; Invitae), which suggests that this may be a clinically significant amino acid residue. For these reasons, this variant has been classified as Pathogenic.

Literature cited by the submitters: PubMed 7695699; PubMed 8218237; PubMed 19344236; PubMed 23720012; PubMed 27627812; PubMed 28780565.